The following is an entry in ClinVar:

ClinVar aggregate classification (germline): Likely pathogenic (1 of 4 stars; one submission).

Conditions:
Spermatogenic failure 45. Identifiers: MedGen C5436791, MONDO:0033671, OMIM 619094.

Submission:

Juno Genomics, Hangzhou Juno Genomics, Inc
Classification: Likely pathogenic for Spermatogenic failure 45. Review status: criteria provided, single submitter. Criteria: ACMG Guidelines, 2015. Collection method: clinical testing. Allele origin: germline.
Comment: Absent from controls (or at extremely low frequency if recessive) in Genome Aggregation Database.;Null variant in a gene where loss of function (LOF) is a known mechanism of disease.

NM_020877.5(DNAH2):c.663_664del (p.Tyr222fs)

Gene: DNAH2 (dynein axonemal heavy chain 2; plus strand). Cytogenetic location: 17p13.1.
Variant type: Microsatellite.
Coding change: c.663_664del on transcript NM_020877.5 (MANE Select); coding-DNA positions 663 to 664, 2 bases deleted (CT; older notation c.663_664delCT).
Protein change: p.Tyr222fs; shifts the reading frame from tyrosine 222.
Molecular consequence: frameshift variant.
Genome position (GRCh38, 1-based): chr17:7,734,217-7,734,218, CT deleted; deleting any 2 consecutive bases within chr17:7,734,215-7,734,218 gives the same sequence; the c. name uses the placement nearest the transcript's 3' end. VCF-style (leftmost placement, unchanged base first): chr17-7734214-CCT-C. GRCh37 (hg19) VCF-style: chr17-7637532-CCT-C.
Other names: c.663_664del, p.Tyr222fs (NM_001303270.2); short protein forms Y222fs.
Identifiers: ClinVar variation 5019337 (VCV005019337.2).